The following is an entry in ClinVar:

NM_024675.4(PALB2):c.599del (p.Leu199_Leu200insTer)

Gene: PALB2 (partner and localizer of BRCA2; minus strand). Cytogenetic location: 16p12.2.
Variant type: Deletion.
Coding change: c.599del on transcript NM_024675.4 (MANE Select); coding-DNA position 599, one base deleted (T; older notation c.599delT).
Protein change: p.Leu199_Leu200insTer.
Molecular consequence: nonsense.
Genome position (GRCh38, 1-based): chr16:23,635,947, A deleted on the plus strand (T on the coding strand, the reverse complement: PALB2 is on the minus strand); the first of 4 consecutive A bases (chr16:23,635,947-23,635,950); deleting any one gives the same sequence. VCF-style (leftmost placement, unchanged base first): chr16-23635946-TA-T. GRCh37 (hg19) VCF-style: chr16-23647267-TA-T.
Other names: c.599delT (NM_024675.3, NM_024675.4).
Identifiers: ClinVar variation 141880 (VCV000141880.29), dbSNP rs587782081, ClinGen allele CA166678.

ClinVar aggregate classification (germline): Pathogenic. Review status: criteria provided, multiple submitters, no conflicts (2 of 4 stars). 8 submissions from 8 submitters: Pathogenic (8). Last evaluated 2026-03-23.

Conditions:
PALB2-related disorder. Also called: PALB2-related condition; PALB2-related disorders.
Pancreatic cancer, susceptibility to, 3. Identifiers: Orphanet 1333, MedGen C3150547, MONDO:0013236, OMIM 613348.
Fanconi anemia complementation group N. Also called: PALB2-Related Fanconi Anemia. Identifiers: Orphanet 84, MedGen C1835817, MONDO:0012565, OMIM 610832. Disease mechanism: loss of function.
Familial cancer of breast. Also called: BREAST CANCER, FAMILIAL; Hereditary breast cancer; hereditary breast carcinoma. Identifiers: Orphanet 227535, MedGen C0346153, MONDO:0016419, OMIM 114480. Disease mechanism: loss of function.
Hereditary cancer-predisposing syndrome. Also called: Tumor predisposition; Neoplastic Syndromes, Hereditary; Hereditary neoplastic syndrome; Hereditary Cancer Syndrome. Identifiers: Orphanet 140162, MedGen C0027672, MeSH D009386, MONDO:0015356.
Hereditary breast ovarian cancer syndrome. Also called: Hereditary breast and ovarian cancer syndrome; Hereditary breast and ovarian cancer; Hereditary breast and ovarian cancer syndrome (HBOC); Hereditary breast and/or ovarian cancer syndrome; BRCA1- and BRCA2-Associated Hereditary Breast and Ovarian Cancer; Breast and ovarian cancer. Identifiers: Orphanet 145, MedGen C0677776, MeSH D061325, MONDO:0003582. Disease mechanism: loss of function.

Submissions (8):

PreventionGenetics, part of Exact Sciences
Classification: Pathogenic for PALB2-related condition. Last evaluated: 2026-03-23. Review status: criteria provided, single submitter. Criteria: ACMG Guidelines, 2015. Collection method: clinical testing. Allele origin: germline.
Comment: The PALB2 c.599delT variant is predicted to result in premature protein termination (p.Leu200*). This variant was reported in one patient in a cohort study of hereditary cancer predisposition testing (Table S3, LaDuca et al. 2014. PubMed ID: 24763289) and was reported as likely pathogenic with increased breast cancer risk (Table S5, Decker et al. 2017. PubMed ID: 28779002). This variant is reported in 0.00088% of alleles in individuals of European (Non-Finnish) descent in gnomAD and is interpreted as Pathogenic in ClinVar (Variation ID: 141880). Nonsense variants in PALB2 are expected to be pathogenic. This variant is interpreted as pathogenic.

Labcorp Genetics (formerly Invitae), Labcorp
Classification: Pathogenic for Familial cancer of breast. Last evaluated: 2025-12-08. Review status: criteria provided, single submitter. Criteria: Invitae Variant Classification Sherloc (09022015). Collection method: clinical testing. Allele origin: germline.
Comment: This sequence change creates a premature translational stop signal (p.Leu200*) in the PALB2 gene. It is expected to result in an absent or disrupted protein product. Loss-of-function variants in PALB2 are known to be pathogenic (PMID: 17200668, 17200671, 17200672, 24136930, 25099575). This variant is present in population databases (rs587782081, gnomAD 0.0009%). This premature translational stop signal has been observed in individual(s) with breast cancer and ovarian cancer (PMID: 26976419, 27631815). ClinVar contains an entry for this variant (Variation ID: 141880). For these reasons, this variant has been classified as Pathogenic.

Ambry Genetics
Classification: Pathogenic for Hereditary cancer-predisposing syndrome. Last evaluated: 2025-05-28. Review status: criteria provided, single submitter. Criteria: Ambry Variant Classification Scheme 2023. Collection method: clinical testing. Allele origin: germline.
Comment: The c.599delT pathogenic mutation, located in coding exon 4 of the PALB2 gene, results from a deletion of one nucleotide at nucleotide position 599, causing a translational frameshift with a predicted alternate stop codon (p.L200*). In addition to the clinical data presented in the literature, this alteration is expected to result in loss of function by premature protein truncation or nonsense-mediated mRNA decay. As such, this alteration is interpreted as a disease-causing mutation.

Color Diagnostics, LLC DBA Color Health
Classification: Pathogenic for Hereditary cancer-predisposing syndrome. Last evaluated: 2025-04-07. Review status: criteria provided, single submitter. Criteria: ACMG Guidelines, 2015. Collection method: clinical testing. Allele origin: germline.
Comment: This variant deletes 1 nucleotide in exon 4 of the PALB2 gene, creating a frameshift and premature translation stop signal. This variant is expected to result in an absent or non-functional protein product. This variant has been reported in one individual each affected with breast cancer or ovarian cancer (PMID: 26976419 , 27631815) and in four families affected with breast and colon cancer (PMID: 31841383). This variant has been identified in 1/251426 chromosomes in the general population by the Genome Aggregation Database (gnomAD). Loss of PALB2 function is a known mechanism of disease. Based on the available evidence, this variant is classified as Pathogenic.

Women's Health and Genetics/Laboratory Corporation of America, LabCorp
Classification: Pathogenic for Hereditary breast ovarian cancer syndrome. Last evaluated: 2025-02-03. Review status: criteria provided, single submitter. Criteria: LabCorp Variant Classification Summary - May 2015. Collection method: clinical testing. Allele origin: germline.
Comment: Variant summary: PALB2 c.599delT (p.Leu200X) results in a premature termination codon, predicted to cause absence of the protein due to nonsense mediated decay, which is a commonly known mechanism for disease. The variant allele was found at a frequency of 4e-06 in 251426 control chromosomes (gnomAD). c.599delT has been reported in the literature in individuals affected with Hereditary Breast And Ovarian Cancer Syndrome (e.g. Yang_2020). These data indicate that the variant is likely to be associated with disease. The following publication has been ascertained in the context of this evaluation (PMID: 31841383). ClinVar contains an entry for this variant (Variation ID: 141880). Based on the evidence outlined above, the variant was classified as pathogenic.

GeneDx
Classification: Pathogenic. Last evaluated: 2023-12-01. Review status: criteria provided, single submitter. Criteria: GeneDx Variant Classification Process June 2021. Collection method: clinical testing. Allele origin: germline. Affected: yes.
Comment: Nonsense variant predicted to result in protein truncation or nonsense mediated decay in a gene for which loss-of-function is a known mechanism of disease; Not observed at significant frequency in large population cohorts (gnomAD); Truncating variants in this gene are considered pathogenic by a well-established clinical consortium and/or database; Observed in individuals with a personal or family history consistent with pathogenic variants in this gene (PMID: 26976419, 28779002, 27631815); This variant is associated with the following publications: (PMID: 27631815, 24763289, 26976419, 28779002, 30322717, 29625052, 29922827, 20871615, 19369211)

Myriad Genetics, Inc.
Classification: Pathogenic for Familial cancer of breast. Last evaluated: 2023-09-06. Review status: criteria provided, single submitter. Criteria: Myriad Autosomal Dominant, Autosomal Recessive and X-Linked Classification Criteria (2023). Collection method: clinical testing. Allele origin: unknown.
Comment: This variant is considered pathogenic. This variant creates a termination codon and is predicted to result in premature protein truncation.

Fulgent Genetics
Classification: Pathogenic for Familial cancer of breast; Fanconi anemia complementation group N; Pancreatic cancer, susceptibility to, 3. Last evaluated: 2021-08-22. Review status: criteria provided, single submitter. Criteria: ACMG Guidelines, 2015. Collection method: clinical testing. Allele origin: unknown.

Literature cited by the submitters: PubMed 17200668 (cited by Labcorp Genetics (formerly Invitae), Labcorp); PubMed 17200671 (cited by Labcorp Genetics (formerly Invitae), Labcorp); PubMed 17200672 (cited by Labcorp Genetics (formerly Invitae), Labcorp); PubMed 24136930 (cited by Labcorp Genetics (formerly Invitae), Labcorp); PubMed 25099575 (cited by Labcorp Genetics (formerly Invitae), Labcorp); PubMed 26976419 (cited by Labcorp Genetics (formerly Invitae), Labcorp and Color Diagnostics, LLC DBA Color Health); PubMed 27631815 (cited by 3 submitters); PubMed 31841383 (cited by Color Diagnostics, LLC DBA Color Health and Women's Health and Genetics/Laboratory Corporation of America, LabCorp).